The following is an entry in ClinVar:

ClinVar aggregate classification (germline): Uncertain significance (1 of 4 stars; one submission).

Conditions:
Muscular dystrophy-dystroglycanopathy (congenital with impaired intellectual development), type B, 3. Also called: Muscular dystrophy-dystroglycanopathy (congenital with intellectual disability), type B3; MUSCULAR DYSTROPHY, CONGENITAL, POMGNT1-RELATED. Identifiers: MedGen C3150412, MONDO:0013155, OMIM 613151.
Autosomal recessive limb-girdle muscular dystrophy type 2O. Also called: Limb-Girdle Muscular Dystrophy Type 3C; MUSCULAR DYSTROPHY-DYSTROGLYCANOPATHY (LIMB-GIRDLE), TYPE C, 3; MUSCULAR DYSTROPHY-DYSTROGLYCANOPATHY, LIMB-GIRDLE, POMGNT1-RELATED. Identifiers: Orphanet 206564, MedGen C3150417, MONDO:0013161, OMIM 613157.

Allele frequency attached by ClinVar (database versions not stated): TOPMed 0.00001; gnomAD exomes below 0.00001.
gnomAD v4.1: 2 of 1,614,220 alleles (0.00012%); highest among the groups gnomAD compares: East Asian, 0.0022%; no homozygotes.

Submission:

Labcorp Genetics (formerly Invitae), Labcorp
Classification: Uncertain significance for Autosomal recessive limb-girdle muscular dystrophy type 2O; Muscular dystrophy-dystroglycanopathy (congenital with impaired intellectual development), type B, 3. Last evaluated: 2022-08-16. Review status: criteria provided, single submitter. Criteria: Invitae Variant Classification Sherloc (09022015). Collection method: clinical testing. Allele origin: germline.
Comment: In summary, the available evidence is currently insufficient to determine the role of this variant in disease. Therefore, it has been classified as a Variant of Uncertain Significance. Advanced modeling of protein sequence and biophysical properties (such as structural, functional, and spatial information, amino acid conservation, physicochemical variation, residue mobility, and thermodynamic stability) performed at Invitae indicates that this missense variant is not expected to disrupt POMGNT1 protein function. ClinVar contains an entry for this variant (Variation ID: 538741). This sequence change replaces alanine, which is neutral and non-polar, with glycine, which is neutral and non-polar, at codon 230 of the POMGNT1 protein (p.Ala230Gly). This variant has not been reported in the literature in individuals affected with POMGNT1-related conditions. This variant is not present in population databases (gnomAD no frequency).

NM_017739.4(POMGNT1):c.689C>G (p.Ala230Gly)

Genes: POMGNT1 (protein O-linked mannose N-acetylglucosaminyltransferase 1 (beta 1,2-); minus strand), TSPAN1 (tetraspanin 1; plus strand). Cytogenetic location: 1p34.1.
Variant type: single nucleotide variant.
Coding change: c.689C>G on transcript NM_017739.4 (MANE Select); coding-DNA position 689, C replaced by G.
Protein change: p.Ala230Gly; replaces alanine 230 with glycine.
Molecular consequence: missense variant.
Genome position (GRCh38, 1-based): chr1:46,194,615, G>C on the plus strand (C>G on the coding strand, the complement: POMGNT1 is on the minus strand). VCF-style: chr1-46194615-G-C. GRCh37 (hg19) VCF-style: chr1-46660287-G-C.
Other names: c.689C>G, p.Ala230Gly (NM_001243766.2, NM_001410783.1); c.623C>G, p.Ala208Gly (NM_001290129.3); c.260C>G, p.Ala87Gly (NM_001290130.2); short protein forms A230G, A208G, A87G.
Identifiers: ClinVar variation 538741 (VCV000538741.9), dbSNP rs921366442, ClinGen allele CA340184275.